The following is an entry in ClinVar:

ClinVar aggregate classification (germline): Uncertain significance (1 of 4 stars; one submission).

Allele frequency attached by ClinVar (database versions not stated): gnomAD 0.00001; ExAC 0.00002; gnomAD exomes 0.00002; TOPMed 0.00003; ESP Exome Variant Server 0.00008.
gnomAD v4.1: 27 of 1,612,666 alleles (0.0017%); highest among the groups gnomAD compares: Admixed American, 0.005%; no homozygotes.

Submission:

Labcorp Genetics (formerly Invitae), Labcorp
Classification: Uncertain significance. Last evaluated: 2025-08-18. Review status: criteria provided, single submitter. Criteria: Invitae Variant Classification Sherloc (09022015). Collection method: clinical testing. Allele origin: germline.
Comment: This sequence change replaces arginine, which is basic and polar, with glutamine, which is neutral and polar, at codon 204 of the NSMCE2 protein (p.Arg204Gln). This variant is present in population databases (rs142447185, gnomAD 0.006%). This variant has not been reported in the literature in individuals affected with NSMCE2-related conditions. ClinVar contains an entry for this variant (Variation ID: 1481495). An algorithm developed to predict the effect of missense changes on protein structure and function outputs the following: PolyPhen-2: "Benign". The glutamine amino acid residue is found in multiple mammalian species, which suggests that this missense change does not adversely affect protein function. In summary, the available evidence is currently insufficient to determine the role of this variant in disease. Therefore, it has been classified as a Variant of Uncertain Significance.

NM_173685.4(NSMCE2):c.611G>A (p.Arg204Gln)

Gene: NSMCE2 (NSE2 SUMO ligase component of SMC5/6 complex; plus strand). Cytogenetic location: 8q24.13.
Variant type: single nucleotide variant.
Coding change: c.611G>A on transcript NM_173685.4 (MANE Select); coding-DNA position 611, G replaced by A.
Protein change: p.Arg204Gln; replaces arginine 204 with glutamine.
Molecular consequence: missense variant. On other transcripts: non-coding transcript variant (1).
Genome position (GRCh38, 1-based): chr8:125,357,803, G>A. VCF-style: chr8-125357803-G-A. GRCh37 (hg19) VCF-style: chr8-126370045-G-A.
Other names: c.611G>A, p.Arg204Gln (NM_001349485.2, NM_001349486.2); short protein forms R204Q.
Identifiers: ClinVar variation 1481495 (VCV001481495.6), dbSNP rs142447185, ClinGen allele CA4874443.
Genomic context (GRCh38, chr8:125,357,803, plus strand): 5'-TGTGTGGCCACACCTATGAAGAGGACGCCATTGTTCGCATGATTGAGTCCAGGCAAAAGC[G>A]GAAGAAAAAGGCCTAGTGAGTGGACGCAGGGAAGGAAGTGGAGCCTTCCCTAGTGGTAGT-3'
Protein context (NP_775956.1, residues 194-214): IVRMIESRQK[Arg204Gln]KKKAYCPQIG